The following is an entry in ClinVar:

ClinVar aggregate classification (germline): Pathogenic/Likely pathogenic. Review status: criteria provided, multiple submitters, no conflicts (2 of 4 stars). 2 submissions from 2 submitters: Pathogenic (1); Likely pathogenic (1). Last evaluated 2023-07-13.

Conditions:
Glycogen storage disease IV, classic hepatic. Also called: GSD IV, CLASSIC HEPATIC. Identifiers: MedGen C1856301.
Glycogen storage disease, type IV (GSD4). Also called: Glycogen storage disease due to glycogen branching enzyme deficiency; AMYLOPECTINOSIS; ANDERSEN DISEASE; BRANCHER DEFICIENCY; CIRRHOSIS, FAMILIAL, WITH DEPOSITION OF ABNORMAL GLYCOGEN; GBE1 DEFICIENCY. Identifiers: Orphanet 367, MedGen C0017923, MONDO:0009292, OMIM 232500.

Submissions (2):

Baylor Genetics
Classification: Likely pathogenic for Glycogen storage disease, type IV. Last evaluated: 2023-07-13. Review status: criteria provided, single submitter. Criteria: ACMG Guidelines, 2015. Collection method: clinical testing. Allele origin: unknown.

Labcorp Genetics (formerly Invitae), Labcorp
Classification: Pathogenic for Glycogen storage disease, type IV; Glycogen storage disease IV, classic hepatic. Last evaluated: 2022-11-02. Review status: criteria provided, single submitter. Criteria: Invitae Variant Classification Sherloc (09022015). Collection method: clinical testing. Allele origin: germline.
Comment: This sequence change creates a premature translational stop signal (p.Phe303Leufs*32) in the GBE1 gene. It is expected to result in an absent or disrupted protein product. Loss-of-function variants in GBE1 are known to be pathogenic (PMID: 15452297, 20058079). This variant is not present in population databases (gnomAD no frequency). This variant has not been reported in the literature in individuals affected with GBE1-related conditions. ClinVar contains an entry for this variant (Variation ID: 1068507). For these reasons, this variant has been classified as Pathogenic.

Literature cited by the submitters: PubMed 15452297 (cited by Labcorp Genetics (formerly Invitae), Labcorp); PubMed 20058079 (cited by Labcorp Genetics (formerly Invitae), Labcorp).

NM_000158.4(GBE1):c.909_912del (p.Phe303fs)

Gene: GBE1 (1,4-alpha-glucan branching enzyme 1; minus strand). Cytogenetic location: 3p12.2.
Variant type: Deletion.
Coding change: c.909_912del on transcript NM_000158.4 (MANE Select); coding-DNA positions 909 to 912, 4 bases deleted (TGAT; older notation c.909_912delTGAT).
Protein change: p.Phe303fs; shifts the reading frame from phenylalanine 303.
Molecular consequence: frameshift variant.
Genome position (GRCh38, 1-based): chr3:81,642,861-81,642,864, ATCA deleted on the plus strand (TGAT on the coding strand, the reverse complement: GBE1 is on the minus strand); deleting any 4 consecutive bases within chr3:81,642,861-81,642,865 gives the same sequence; the c. name uses the placement nearest the transcript's 3' end. VCF-style (leftmost placement, unchanged base first): chr3-81642860-CATCA-C. GRCh37 (hg19) VCF-style: chr3-81692011-CATCA-C.
Other names: short protein forms F303fs.
Identifiers: ClinVar variation 1068507 (VCV001068507.6), dbSNP rs2107059544, ClinGen allele CA2499216986.